The following is an entry in ClinVar:

ClinVar aggregate classification (germline): Conflicting classifications of pathogenicity. Review status: criteria provided, conflicting classifications (1 of 4 stars). 8 submissions from 8 submitters: Uncertain significance (1); Benign (4); Likely benign (2). 1 of the submissions does not count toward it. Last evaluated 2026-03-13.

Conditions:
LAMA4-related disorder. Also called: LAMA4-related condition.
Cardiovascular phenotype. Identifiers: MedGen CN230736.
Dilated cardiomyopathy 1JJ (CMD1JJ). Identifiers: Orphanet 154, MedGen C3808935, MONDO:0014095, OMIM 615235.

Allele frequency attached by ClinVar (database versions not stated): ExAC 0.00022; gnomAD 0.00078 and 0.00075; gnomAD exomes 0.00020; ESP Exome Variant Server 0.00062; TOPMed 0.00081; 1000 Genomes Project 0.00160; 1000 Genomes Project 30x 0.00172.
gnomAD v4.1: 235 of 1,613,788 alleles (0.015%); highest among the groups gnomAD compares: African/African-American, 0.29%; no homozygotes.

Submissions (8):

Women's Health and Genetics/Laboratory Corporation of America, LabCorp
Classification: Benign. Last evaluated: 2026-03-13. Review status: criteria provided, single submitter. Criteria: LabCorp Variant Classification Summary - May 2015. Collection method: clinical testing. Allele origin: germline.

Labcorp Genetics (formerly Invitae), Labcorp
Classification: Benign for Dilated cardiomyopathy 1JJ. Last evaluated: 2026-01-26. Review status: criteria provided, single submitter. Criteria: Invitae Variant Classification Sherloc (09022015). Collection method: clinical testing. Allele origin: germline.

ARUP Laboratories, Molecular Genetics and Genomics, ARUP Laboratories
Classification: Benign for Dilated cardiomyopathy 1JJ. Last evaluated: 2019-11-25. Review status: criteria provided, single submitter. Criteria: ARUP Molecular Germline Variant Investigation Process. Collection method: clinical testing. Allele origin: germline.

Ambry Genetics
Classification: Likely benign for Cardiovascular phenotype. Last evaluated: 2015-07-01. Review status: criteria provided, single submitter. Criteria: Ambry Variant Classification Scheme 2023. Collection method: clinical testing. Allele origin: germline.

Eurofins Ntd Llc (ga)
Classification: Uncertain significance. Last evaluated: 2015-05-19. Review status: criteria provided, single submitter. Criteria: EGL Classification Definitions 2015. Collection method: clinical testing. Allele origin: germline. Observed: 1 variant allele, 1 heterozygote.

GeneDx
Classification: Benign. Last evaluated: 2015-01-05. Review status: criteria provided, single submitter. Criteria: GeneDx Variant Classification (06012015). Collection method: clinical testing. Allele origin: germline. Affected: yes.
Comment: This variant is considered likely benign or benign based on one or more of the following criteria: it is a conservative change, it occurs at a poorly conserved position in the protein, it is predicted to be benign by multiple in silico algorithms, and/or has population frequency not consistent with disease.

Laboratory for Molecular Medicine, Mass General Brigham Personalized Medicine
Classification: Likely benign. Last evaluated: 2012-03-19. Review status: criteria provided, single submitter. Criteria: LMM Criteria. Collection method: clinical testing. Allele origin: germline. Observed: 1 variant allele.
Comment: p.Arg1553Arg in exon 34 of LAMA4: This variant is not expected to have clinical significance because it does not alter an amino acid residue and is not located within the splice consensus sequence. It has been identified in 0.2% (8/3738) of African American chromosomes from a broad population by the NHLBI Exome Sequenc ing Project (dbSNP rs150069819).

PreventionGenetics, part of Exact Sciences
Classification: Likely benign for LAMA4-related condition. Last evaluated: 2024-04-26. Review status: no assertion criteria provided. Collection method: clinical testing. Allele origin: germline. Not counted in ClinVar's aggregate classification.
Comment: This variant is classified as likely benign based on ACMG/AMP sequence variant interpretation guidelines (Richards et al. 2015 PMID: 25741868, with internal and published modifications).

NM_001105206.3(LAMA4):c.4678C>A (p.Arg1560=)

Gene: LAMA4 (laminin subunit alpha 4; minus strand). Cytogenetic location: 6q21.
Variant type: single nucleotide variant.
Coding change: c.4678C>A on transcript NM_001105206.3 (MANE Select); coding-DNA position 4678, C replaced by A.
Protein change: p.Arg1560=; no amino-acid change (arginine 1560 retained).
Molecular consequence: synonymous variant.
Genome position (GRCh38, 1-based): chr6:112,119,299, G>T on the plus strand (C>A on the coding strand, the complement: LAMA4 is on the minus strand). VCF-style: chr6-112119299-G-T. GRCh37 (hg19) VCF-style: chr6-112440502-G-T.
Other names: c.4657C>A, p.Arg1553= (NM_001105207.3, NM_002290.5).
Identifiers: ClinVar variation 196891 (VCV000196891.32), dbSNP rs150069819, ClinGen allele CA244672.